The following is an entry in ClinVar:

NM_173477.5(USH1G):c.914C>T (p.Ser305Phe)

Gene: USH1G (USH1 protein network component sans; minus strand). Cytogenetic location: 17q25.1.
Variant type: single nucleotide variant.
Coding change: c.914C>T on transcript NM_173477.5 (MANE Select); coding-DNA position 914, C replaced by T.
Protein change: p.Ser305Phe; replaces serine 305 with phenylalanine.
Molecular consequence: missense variant.
Genome position (GRCh38, 1-based): chr17:74,919,922, G>A on the plus strand (C>T on the coding strand, the complement: USH1G is on the minus strand). VCF-style: chr17-74919922-G-A. GRCh37 (hg19) VCF-style: chr17-72916017-G-A.
Other names: c.605C>T, p.Ser202Phe (NM_001282489.3); short protein forms S202F, S305F.
Identifiers: ClinVar variation 1000094 (VCV001000094.6), dbSNP rs764111098, ClinGen allele CA8753972.
Genomic context (GRCh38, chr17:74,919,922, plus strand): 5'-CCACTGCTCAAGTAATTTCTGCGGAACACCATGGTGCCCAGGCCGGGGCGGGTAAACAGG[G>A]AGTCGTGGCCTGAGTCGGTGCTGACCTCCGAGTGGGCAGGCTCGGCCGCCAGCGTGGCAC-3'
Protein context (NP_775748.2, residues 295-315): SEVSTDSGHD[Ser305Phe]LFTRPGLGTM

ClinVar aggregate classification (germline): Uncertain significance (1 of 4 stars; one submission).

Allele frequency attached by ClinVar (database versions not stated): TOPMed 0.00001.
gnomAD v4.1: 11 of 1,612,976 alleles (0.00068%); highest among the groups gnomAD compares: Admixed American, 0.005%; no homozygotes.

Submission:

Labcorp Genetics (formerly Invitae), Labcorp
Classification: Uncertain significance. Last evaluated: 2022-03-10. Review status: criteria provided, single submitter. Criteria: Invitae Variant Classification Sherloc (09022015). Collection method: clinical testing. Allele origin: germline.
Comment: This sequence change replaces serine, which is neutral and polar, with phenylalanine, which is neutral and non-polar, at codon 305 of the USH1G protein (p.Ser305Phe). This variant is present in population databases (rs764111098, gnomAD 0.006%). This variant has not been reported in the literature in individuals affected with USH1G-related conditions. ClinVar contains an entry for this variant (Variation ID: 1000094). Algorithms developed to predict the effect of missense changes on protein structure and function are either unavailable or do not agree on the potential impact of this missense change (SIFT: "Not Available"; PolyPhen-2: "Probably Damaging"; Align-GVGD: "Not Available"). In summary, the available evidence is currently insufficient to determine the role of this variant in disease. Therefore, it has been classified as a Variant of Uncertain Significance.